The following is an entry in ClinVar:

NM_004364.5(CEBPA):c.619C>T (p.Gln207Ter)

Gene: CEBPA (CCAAT enhancer binding protein alpha; minus strand). Cytogenetic location: 19q13.11.
Variant type: single nucleotide variant.
Coding change: c.619C>T on transcript NM_004364.5 (MANE Select); coding-DNA position 619, C replaced by T.
Protein change: p.Gln207Ter; replaces glutamine 207 with a stop codon.
Molecular consequence: nonsense.
Genome position (GRCh38, 1-based): chr19:33,301,796, G>A on the plus strand (C>T on the coding strand, the complement: CEBPA is on the minus strand). VCF-style: chr19-33301796-G-A. GRCh37 (hg19) VCF-style: chr19-33792702-G-A.
Other names: c.262C>T, p.Gln88Ter (NM_001285829.2); c.724C>T, p.Gln242Ter (NM_001287424.2); c.577C>T, p.Gln193Ter (NM_001287435.2); short protein forms Q207*, Q242*, Q193*, Q88*.
Identifiers: ClinVar variation 4995493 (VCV004995493.1).
Genomic context (GRCh38, chr19:33,301,796, plus strand): 5'-GCGTGGGGTGACCGGGCTGCAGGTGCATGGTGGTCTGGCCGCAGTGCGCGATCTGGAACT[G>A]CAGGTGCGGGGCGGCCAGGTGCGCGGGCGGCGGGTGCGGGTGCGGGTGCGAGGGCGGCGG-3'

ClinVar aggregate classification (germline): Likely pathogenic (1 of 4 stars; one submission).

Conditions:
CEBPA-related disorder. Also called: CEBPA-related condition.

Submission:

PreventionGenetics, part of Exact Sciences
Classification: Likely pathogenic for CEBPA-related condition. Last evaluated: 2026-05-22. Review status: criteria provided, single submitter. Criteria: ACMG Guidelines, 2015. Collection method: clinical testing. Allele origin: germline.
Comment: The CEBPA c.619C>T variant is predicted to result in premature protein termination (p.Gln207*). To our knowledge, this variant has not been reported in the literature or in a large population database (gnomAD), indicating this variant is rare. Nonsense variants in CEBPA are expected to be pathogenic. This variant is interpreted as likely pathogenic.